The following is an entry in ClinVar:

NC_000009.11:g.(?_36276881)_(36277049_?)dup

Gene: GNE (glucosamine (UDP-N-acetyl)-2-epimerase/N-acetylmannosamine kinase; minus strand). Cytogenetic location: 9p13.3.
Variant type: Duplication.
Identifiers: ClinVar variation 830383 (VCV000830383.2).

ClinVar aggregate classification (germline): Uncertain significance (1 of 4 stars; one submission).

Conditions:
GNE myopathy (NM). Also called: IBM 2; Inclusion body myopathy autosomal recessive; Inclusion body myopathy quadriceps sparing; NONAKA DISTAL MYOPATHY; INCLUSION BODY MYOPATHY, HEREDITARY, AUTOSOMAL RECESSIVE; INCLUSION BODY MYOPATHY 2, AUTOSOMAL RECESSIVE. Identifiers: Orphanet 602, MedGen C1853926, MONDO:0011603, OMIM 605820.
Sialuria. Also called: Sialic Acid Storage Disease; SIALURIA, FRENCH TYPE. Identifiers: Orphanet 3166, MedGen C0342853, MONDO:0010028, OMIM 269921.

Submission:

Labcorp Genetics (formerly Invitae), Labcorp
Classification: Uncertain significance for Sialuria; GNE myopathy. Last evaluated: 2022-11-01. Review status: criteria provided, single submitter. Criteria: Invitae Variant Classification Sherloc (09022015). Collection method: clinical testing. Allele origin: germline.
Comment: This variant results in a copy number gain of the genomic region encompassing exon(s) 1 of the GNE gene. This region includes the initiator codon of the gene. This copy number gain extends beyond the assayed region for this gene and therefore may encompass additional genes. As the precise location of this event is unknown, it may be in tandem or it may be located elsewhere in the genome. This variant has not been reported in the literature in individuals affected with GNE-related conditions. In summary, the available evidence is currently insufficient to determine the role of this variant in disease. Therefore, it has been classified as a Variant of Uncertain Significance.